The following is an entry in ClinVar:

ClinVar aggregate classification (germline): Conflicting classifications of pathogenicity. Review status: criteria provided, conflicting classifications (1 of 4 stars). 2 submissions from 2 submitters: Uncertain significance (1); Likely benign (1). Last evaluated 2021-04-16.

Allele frequency attached by ClinVar (database versions not stated): gnomAD exomes 0.00001 and 0.00002; gnomAD 0.00002; ExAC 0.00003.

Submissions (2):

Labcorp Genetics (formerly Invitae), Labcorp
Classification: Likely benign. Last evaluated: 2021-04-16. Review status: criteria provided, single submitter. Criteria: Invitae Variant Classification Sherloc (09022015). Collection method: clinical testing. Allele origin: germline.

GeneDx
Classification: Uncertain significance. Last evaluated: 2019-09-24. Review status: criteria provided, single submitter. Criteria: GeneDx Variant Classification Process June 2021. Collection method: clinical testing. Allele origin: germline. Affected: yes.
Comment: Not observed at a significant frequency in large population cohorts (Lek et al., 2016); In silico analysis, which includes splice predictors and evolutionary conservation, supports that this variant does not alter protein structure/function; Has not been previously published as pathogenic or benign to our knowledge

NM_006086.4(TUBB3):c.813C>T (p.Ala271=)

Gene: TUBB3 (tubulin beta 3 class III; plus strand). Cytogenetic location: 16q24.3.
Variant type: single nucleotide variant.
Coding change: c.813C>T on transcript NM_006086.4 (MANE Select); coding-DNA position 813, C replaced by T.
Protein change: p.Ala271=; no amino-acid change (alanine 271 retained).
Molecular consequence: synonymous variant.
Genome position (GRCh38, 1-based): chr16:89,935,264, C>T. VCF-style: chr16-89935264-C-T. GRCh37 (hg19) VCF-style: chr16-90001672-C-T.
Other names: c.597C>T, p.Ala199= (NM_001197181.2).
Identifiers: ClinVar variation 1312483 (VCV001312483.9), dbSNP rs776465410, ClinGen allele CA8256166.